The following is an entry in ClinVar:

ClinVar aggregate classification (germline): Uncertain significance (1 of 4 stars; one submission).

Submission:

GeneDx
Classification: Uncertain significance. Last evaluated: 2014-05-10. Review status: criteria provided, single submitter. Criteria: GeneDx Variant Classification (06012015). Collection method: clinical testing. Allele origin: germline. Affected: yes.
Comment: p.Phe2319Leu (TTC>CTC): c.6955 T>C in exon 55 of the FBN2 gene (NM_001999.3). The F2319L variant has not been published as a mutation, nor has it been reported as a benign polymorphism to our knowledge. The F2319L variant was not observed in approximately 6500 individuals of European and African American ancestry in the NHLBI Exome Sequencing Project, indicating it is not a common benign variant in these populations. The F2319L variant is a conservative amino acid substitution, which is not likely to impact secondary protein structure as these residues share similar properties. This substitution occurs at a position that is conserved across species. In silico analysis predicts this variant is probably damaging to the protein structure/function. Mutations in nearby residues have not been reported in association with congenital contractural arachnodactyly, indicating this region of the protein may tolerate change. Therefore, based on the currently available information, it is unclear whether this variant is a pathogenic mutation or a rare benign variant. This variant was found in TAAD

NM_001999.4(FBN2):c.6955T>C (p.Phe2319Leu)

Gene: FBN2 (fibrillin 2; minus strand). Cytogenetic location: 5q23.3.
Variant type: single nucleotide variant.
Coding change: c.6955T>C on transcript NM_001999.4 (MANE Select); coding-DNA position 6955, T replaced by C.
Protein change: p.Phe2319Leu; replaces phenylalanine 2319 with leucine.
Molecular consequence: missense variant.
Genome position (GRCh38, 1-based): chr5:128,286,775, A>G on the plus strand (T>C on the coding strand, the complement: FBN2 is on the minus strand). VCF-style: chr5-128286775-A-G. GRCh37 (hg19) VCF-style: chr5-127622467-A-G.
Other names: short protein forms F2319L.
Identifiers: ClinVar variation 213353 (VCV000213353.2), dbSNP rs863223585, ClinGen allele CA321536.